The following is an entry in ClinVar:

ClinVar aggregate classification (germline): Uncertain significance. Review status: criteria provided, single submitter (1 of 4 stars). 2 submissions from 2 submitters: Uncertain significance (1). 1 of the submissions does not count toward it. Last evaluated 2024-01-26.

Conditions:
PLXNA3-related disorder. Also called: PLXNA3-related condition.

Allele frequency attached by ClinVar (database versions not stated): TOPMed 0.00002; gnomAD 0.00004; ESP Exome Variant Server 0.00009.
gnomAD v4.1: 4 of 1,204,074 alleles (0.00033%); highest among the groups gnomAD compares: African/African-American, 0.0069%; no homozygotes.

Submissions (2):

Greenwood Genetic Center Diagnostic Laboratories, Greenwood Genetic Center
Classification: Uncertain significance. Last evaluated: 2024-01-26. Review status: criteria provided, single submitter. Criteria: ACMG Guidelines, 2015. Collection method: clinical testing. Allele origin: germline. Affected: yes.
Comment: PM2, BP4

PreventionGenetics, part of Exact Sciences
Classification: Uncertain significance for PLXNA3-related condition. Last evaluated: 2024-08-20. Review status: no assertion criteria provided. Collection method: clinical testing. Allele origin: germline. Not counted in ClinVar's aggregate classification.
Comment: The PLXNA3 c.1080G>C variant is predicted to result in the amino acid substitution p.Glu360Asp. To our knowledge, this variant has not been reported in the literature. This variant is reported in 0.017% of alleles in individuals of African descent in gnomAD. At this time, the clinical significance of this variant is uncertain due to the absence of conclusive functional and genetic evidence.

NM_017514.5(PLXNA3):c.1080G>C (p.Glu360Asp)

Gene: PLXNA3 (plexin A3; plus strand). Cytogenetic location: Xq28.
Variant type: single nucleotide variant.
Coding change: c.1080G>C on transcript NM_017514.5 (MANE Select); coding-DNA position 1080, G replaced by C.
Protein change: p.Glu360Asp; replaces glutamic acid 360 with aspartic acid.
Molecular consequence: missense variant.
Genome position (GRCh38, 1-based): chrX:154,461,584, G>C. VCF-style: chrX-154461584-G-C. GRCh37 (hg19) VCF-style: chrX-153689924-G-C.
Other names: short protein forms E360D.
Identifiers: ClinVar variation 3235858 (VCV003235858.2), dbSNP rs376499905, ClinGen allele CA337312337.